The following is an entry in ClinVar:

ClinVar aggregate classification (germline): Likely benign. Review status: criteria provided, multiple submitters, no conflicts (2 of 4 stars). 5 submissions from 5 submitters: Likely benign (5). Last evaluated 2026-06-25.

Conditions:
Neuronopathy, distal hereditary motor, autosomal recessive 4. Also called: Autosomal recessive lower motor neuron disease with childhood onset; NEUROPATHY, DISTAL HEREDITARY MOTOR, AUTOSOMAL RECESSIVE 4. Identifiers: Orphanet 206580, MedGen C1970211, MONDO:0012608, OMIM 611067.
Charcot-Marie-Tooth disease recessive intermediate C. Also called: CHARCOT-MARIE-TOOTH NEUROPATHY, RECESSIVE INTERMEDIATE C. Identifiers: Orphanet 369867, MedGen C3809309, MONDO:0014154, OMIM 615376.
Inborn genetic diseases. Identifiers: MedGen C0950123, MeSH D030342.
PLEKHG5-related disorder. Also called: PLEKHG5-related condition.

Allele frequency attached by ClinVar (database versions not stated): TOPMed 0.00001; gnomAD 0.00002; gnomAD exomes 0.00002 and 0.00003; ExAC 0.00003; ESP Exome Variant Server 0.00008.
gnomAD v4.1: 42 of 1,612,992 alleles (0.0026%); highest among the groups gnomAD compares: East Asian, 0.0067%; no homozygotes.

Submissions (5):

PreventionGenetics, part of Exact Sciences
Classification: Likely benign for PLEKHG5-related condition. Last evaluated: 2026-06-25. Review status: criteria provided, single submitter. Criteria: ACMG Guidelines, 2015. Collection method: clinical testing. Allele origin: germline.
Comment: This variant is classified as likely benign based on ACMG/AMP sequence variant interpretation guidelines (Richards et al. 2015 PMID: 25741868, with internal and published modifications).

ARUP Laboratories, Molecular Genetics and Genomics, ARUP Laboratories
Classification: Likely benign. Last evaluated: 2025-03-06. Review status: criteria provided, single submitter. Criteria: ARUP Molecular Germline Variant Investigation Process 2024. Collection method: clinical testing. Allele origin: germline.

Labcorp Genetics (formerly Invitae), Labcorp
Classification: Likely benign for Neuronopathy, distal hereditary motor, autosomal recessive 4; Charcot-Marie-Tooth disease recessive intermediate C. Last evaluated: 2023-11-27. Review status: criteria provided, single submitter. Criteria: Invitae Variant Classification Sherloc (09022015). Collection method: clinical testing. Allele origin: germline.

CeGaT Center for Human Genetics Tuebingen
Classification: Likely benign. Last evaluated: 2022-04-01. Review status: criteria provided, single submitter. Criteria: CeGaT Center For Human Genetics Tuebingen Variant Classification Criteria Version 2. Collection method: clinical testing. Allele origin: germline. Affected: yes. Observed: 1 variant allele.
Comment: PLEKHG5: BP4, BP7

Ambry Genetics
Classification: Likely benign for Inborn genetic diseases. Last evaluated: 2019-07-11. Review status: criteria provided, single submitter. Criteria: Ambry Variant Classification Scheme 2023. Collection method: clinical testing. Allele origin: germline.

NM_020631.6(PLEKHG5):c.2124G>A (p.Glu708=)

Gene: PLEKHG5 (pleckstrin homology and RhoGEF domain containing G5; minus strand). Cytogenetic location: 1p36.31.
Variant type: single nucleotide variant.
Coding change: c.2124G>A on transcript NM_020631.6 (MANE Select); coding-DNA position 2124, G replaced by A.
Protein change: p.Glu708=; no amino-acid change (glutamic acid 708 retained).
Molecular consequence: synonymous variant.
Genome position (GRCh38, 1-based): chr1:6,469,167, C>T on the plus strand (G>A on the coding strand, the complement: PLEKHG5 is on the minus strand). VCF-style: chr1-6469167-C-T. GRCh37 (hg19) VCF-style: chr1-6529227-C-T.
Other names: c.2235G>A, p.Glu745= (NM_001042663.3, NM_001265592.2); c.2124G>A, p.Glu708= (NM_001042664.2, NM_001042665.2, NM_001265594.3 and 1 more transcripts); c.2331G>A, p.Glu777= (NM_001265593.2).
Identifiers: ClinVar variation 468901 (VCV000468901.46), dbSNP rs370521517, ClinGen allele CA561249.
Genomic context (GRCh38, chr1:6,469,167, plus strand): 5'-GCCACTGTCCTCGCCTTCCTCCTCCTCCTCCTCCTCCTCCTCTTCCTCCTCCTGCTCATC[C>T]TCCTCCTCTTCCAGGCTCTGCAGGGGCTGCTGACTGCCTGGGGGCTCCTGTGCACGCAGC-3'
Protein context (NP_065682.2, residues 698-718): QQPLQSLEEE[Glu708=]DEQEEEEEEE